The following is an entry in ClinVar:

NM_015346.4(ZFYVE26):c.6802G>A (p.Ala2268Thr)

Gene: ZFYVE26 (zinc finger FYVE-type containing 26; minus strand). Cytogenetic location: 14q24.1.
Variant type: single nucleotide variant.
Coding change: c.6802G>A on transcript NM_015346.4 (MANE Select); coding-DNA position 6802, G replaced by A.
Protein change: p.Ala2268Thr; replaces alanine 2268 with threonine.
Molecular consequence: missense variant.
Genome position (GRCh38, 1-based): chr14:67,755,235, C>T on the plus strand (G>A on the coding strand, the complement: ZFYVE26 is on the minus strand). VCF-style: chr14-67755235-C-T. GRCh37 (hg19) VCF-style: chr14-68221952-C-T.
Other names: short protein forms A2268T.
Identifiers: ClinVar variation 458292 (VCV000458292.6), dbSNP rs199942594, ClinGen allele CA7239133.

ClinVar aggregate classification (germline): Uncertain significance (1 of 4 stars; one submission).

Conditions:
Spastic paraplegia. Identifiers: MedGen C0037772, HP:0001258.

Allele frequency attached by ClinVar (database versions not stated): gnomAD 0.00002; gnomAD exomes 0.00002 and 0.00004; TOPMed 0.00003; ExAC 0.00004.
gnomAD v4.1: 32 of 1,613,994 alleles (0.002%); highest among the groups gnomAD compares: Middle Eastern, 0.033%; no homozygotes.

Submission:

Labcorp Genetics (formerly Invitae), Labcorp
Classification: Uncertain significance for Spastic paraplegia. Last evaluated: 2021-08-20. Review status: criteria provided, single submitter. Criteria: Invitae Variant Classification Sherloc (09022015). Collection method: clinical testing. Allele origin: germline.
Comment: This sequence change replaces alanine with threonine at codon 2268 of the ZFYVE26 protein (p.Ala2268Thr). The alanine residue is moderately conserved and there is a small physicochemical difference between alanine and threonine. This variant is present in population databases (rs199942594, ExAC 0.04%). This variant has not been reported in the literature in individuals affected with ZFYVE26-related conditions. Algorithms developed to predict the effect of missense changes on protein structure and function are either unavailable or do not agree on the potential impact of this missense change (SIFT: "Deleterious"; PolyPhen-2: "Possibly Damaging"; Align-GVGD: "Class C0"). In summary, the available evidence is currently insufficient to determine the role of this variant in disease. Therefore, it has been classified as a Variant of Uncertain Significance.